The following is an entry in ClinVar:

ClinVar aggregate classification (germline): Uncertain significance. Review status: criteria provided, multiple submitters, no conflicts (2 of 4 stars). 4 submissions from 4 submitters: Uncertain significance (4). Last evaluated 2025-12-17.

Conditions:
Inborn genetic diseases. Identifiers: MedGen C0950123, MeSH D030342.
Severe dermatitis-multiple allergies-metabolic wasting syndrome. Also called: ERYTHRODERMA, CONGENITAL, WITH PALMOPLANTAR KERATODERMA, HYPOTRICHOSIS, RECURRENT INFECTIONS, AND MULTIPLE FOOD ALLERGIES; Erythroderma, congenital, with palmoplantar keratoderma, hypotrichosis, and hyper-ige; SEVERE DERMATITIS, MULTIPLE ALLERGIES, AND METABOLIC WASTING SYNDROME; SAM SYNDROME. Identifiers: Orphanet 369992, MedGen C3809719, MONDO:0014218, OMIM 615508.

Allele frequency attached by ClinVar (database versions not stated): 1000 Genomes Project 0.00020; gnomAD exomes 0.00025 and 0.00058; ExAC 0.00029; TOPMed 0.00029; 1000 Genomes Project 30x 0.00031; ESP Exome Variant Server 0.00046; gnomAD 0.00048 and 0.00049.
gnomAD v4.1: 893 of 1,613,890 alleles (0.055%); highest among the groups gnomAD compares: Non-Finnish European, 0.073%; no homozygotes.

Submissions (4):

Labcorp Genetics (formerly Invitae), Labcorp
Classification: Uncertain significance. Last evaluated: 2025-12-17. Review status: criteria provided, single submitter. Criteria: Invitae Variant Classification Sherloc (09022015). Collection method: clinical testing. Allele origin: germline.
Comment: This sequence change replaces glycine, which is neutral and non-polar, with valine, which is neutral and non-polar, at codon 245 of the DSG1 protein (p.Gly245Val). This variant is present in population databases (rs145045312, gnomAD 0.07%). This variant has not been reported in the literature in individuals affected with DSG1-related conditions. ClinVar contains an entry for this variant (Variation ID: 1485970). Invitae Evidence Modeling of protein sequence and biophysical properties (such as structural, functional, and spatial information, amino acid conservation, physicochemical variation, residue mobility, and thermodynamic stability) indicates that this missense variant is not expected to disrupt DSG1 protein function with a negative predictive value of 80%. In summary, the available evidence is currently insufficient to determine the role of this variant in disease. Therefore, it has been classified as a Variant of Uncertain Significance.

CeGaT Center for Human Genetics Tuebingen
Classification: Uncertain significance. Last evaluated: 2025-09-01. Review status: criteria provided, single submitter. Criteria: CeGaT Center For Human Genetics Tuebingen Variant Classification Criteria Version 2. Collection method: clinical testing. Allele origin: germline. Affected: yes. Observed: 1 variant allele.
Comment: DSG1: PM2, BP4

Ambry Genetics
Classification: Uncertain significance for Inborn genetic diseases. Last evaluated: 2024-07-05. Review status: criteria provided, single submitter. Criteria: Ambry Variant Classification Scheme 2023. Collection method: clinical testing. Allele origin: germline.

Department of Pathology and Laboratory Medicine, Sinai Health System
Classification: Uncertain significance for severe dermatitis-multiple allergies-metabolic wasting syndrome. Last evaluated: 2021-07-30. Review status: criteria provided, single submitter. Criteria: ACMG Guidelines, 2015. Collection method: research. Allele origin: germline.

NM_001942.4(DSG1):c.734G>T (p.Gly245Val)

Gene: DSG1 (desmoglein 1; plus strand). Cytogenetic location: 18q12.1.
Variant type: single nucleotide variant.
Coding change: c.734G>T on transcript NM_001942.4 (MANE Select); coding-DNA position 734, G replaced by T.
Protein change: p.Gly245Val; replaces glycine 245 with valine.
Molecular consequence: missense variant.
Genome position (GRCh38, 1-based): chr18:31,333,638, G>T. VCF-style: chr18-31333638-G-T. GRCh37 (hg19) VCF-style: chr18-28913601-G-T.
Other names: c.734G>T (NM_001942.2); short protein forms G245V.
Identifiers: ClinVar variation 1485970 (VCV001485970.15), dbSNP rs145045312, ClinGen allele CA8925931.